The following is an entry in ClinVar:

ClinVar aggregate classification (germline): Uncertain significance. Review status: criteria provided, multiple submitters, no conflicts (2 of 4 stars). 2 submissions from 2 submitters: Uncertain significance (2). Last evaluated 2024-04-10.

Conditions:
Upshaw-Schulman syndrome (TTP). Also called: THROMBOTIC THROMBOCYTOPENIC PURPURA, HEREDITARY; Congenital thrombotic thrombocytopenic purpura. Identifiers: Orphanet 93583, MedGen C1268935, MONDO:0010122, OMIM 274150.

Allele frequency attached by ClinVar (database versions not stated): ExAC 0.00001; gnomAD 0.00001; TOPMed 0.00002.
gnomAD v4.1: 32 of 1,614,004 alleles (0.002%); highest among the groups gnomAD compares: East Asian, 0.071%; no homozygotes.

Submissions (2):

Fulgent Genetics
Classification: Uncertain significance for Upshaw-Schulman syndrome. Last evaluated: 2024-04-10. Review status: criteria provided, single submitter. Criteria: ACMG Guidelines, 2015. Collection method: clinical testing. Allele origin: germline.

Labcorp Genetics (formerly Invitae), Labcorp
Classification: Uncertain significance. Last evaluated: 2023-03-26. Review status: criteria provided, single submitter. Criteria: Invitae Variant Classification Sherloc (09022015). Collection method: clinical testing. Allele origin: germline.
Comment: This sequence change replaces leucine, which is neutral and non-polar, with phenylalanine, which is neutral and non-polar, at codon 19 of the ADAMTS13 protein (p.Leu19Phe). In summary, the available evidence is currently insufficient to determine the role of this variant in disease. Therefore, it has been classified as a Variant of Uncertain Significance. An algorithm developed to predict the effect of missense changes on protein structure and function (PolyPhen-2) suggests that this variant¬† is likely to be tolerated. This variant has not been reported in the literature in individuals affected with ADAMTS13-related conditions. This variant is present in population databases (rs782561010, gnomAD 0.04%).

NM_139027.6(ADAMTS13):c.55C>T (p.Leu19Phe)

Gene: ADAMTS13 (ADAM metallopeptidase with thrombospondin type 1 motif 13; plus strand). Cytogenetic location: 9q34.2.
Variant type: single nucleotide variant.
Coding change: c.55C>T on transcript NM_139027.6 (MANE Select); coding-DNA position 55, C replaced by T.
Protein change: p.Leu19Phe; replaces leucine 19 with phenylalanine.
Molecular consequence: missense variant.
Genome position (GRCh38, 1-based): chr9:133,422,498, C>T. VCF-style: chr9-133422498-C-T. GRCh37 (hg19) VCF-style: chr9-136287618-C-T.
Other names: c.55C>T, p.Leu19Phe (NM_139025.5, NM_139026.6); short protein forms L19F.
Identifiers: ClinVar variation 3005017 (VCV003005017.2), dbSNP rs782561010, ClinGen allele CA200879054.